The following is an entry in ClinVar:

NM_001148.6(ANK2):c.9460G>T (p.Ala3154Ser)

Gene: ANK2 (ankyrin 2; plus strand). Cytogenetic location: 4q26.
Variant type: single nucleotide variant.
Coding change: c.9460G>T on transcript NM_001148.6 (MANE Select); coding-DNA position 9460, G replaced by T.
Protein change: p.Ala3154Ser; replaces alanine 3154 with serine.
Molecular consequence: missense variant. On other transcripts: intron variant (68).
Genome position (GRCh38, 1-based): chr4:113,358,078, G>T. VCF-style: chr4-113358078-G-T. GRCh37 (hg19) VCF-style: chr4-114279234-G-T.
Other names: c.9226G>T, p.Ala3076Ser (NM_001386142.1); c.5860G>T, p.Ala1954Ser (NM_001386166.1); c.9601G>T, p.Ala3201Ser (NM_001386174.1); c.9577G>T, p.Ala3193Ser (NM_001386175.1); c.4412-2745G>T (NM_001386186.2, NM_001386148.2); c.4214-2745G>T (NM_001354269.3); c.4292-2745G>T (NM_001386187.2); c.4253-2745G>T (NM_001386147.1); and 35 more; short protein forms A3193S, A3076S, A3201S, A1954S, A3154S.
Identifiers: ClinVar variation 4752002 (VCV004752002.1).

ClinVar aggregate classification (germline): Uncertain significance (1 of 4 stars; one submission).

Conditions:
Long QT syndrome (LQTS). Identifiers: MedGen C0023976, MeSH D008133, MONDO:0002442. Disease mechanism: loss of function. Inheritance: Various modes of inheritance.

gnomAD v4.1: 1 of 1,614,054 alleles (0.000062%); highest among the groups gnomAD compares: South Asian, 0.0011%; no homozygotes.

Submission:

Labcorp Genetics (formerly Invitae), Labcorp
Classification: Uncertain significance for Long QT syndrome. Last evaluated: 2025-07-07. Review status: criteria provided, single submitter. Criteria: Invitae Variant Classification Sherloc (09022015). Collection method: clinical testing. Allele origin: germline.
Comment: This sequence change replaces alanine, which is neutral and non-polar, with serine, which is neutral and polar, at codon 3154 of the ANK2 protein (p.Ala3154Ser). This variant is present in population databases (rs551858840, gnomAD 0.003%). This variant has not been reported in the literature in individuals affected with ANK2-related conditions. An algorithm developed to predict the effect of missense changes on protein structure and function (PolyPhen-2) suggests that this variant is likely to be tolerated. In summary, the available evidence is currently insufficient to determine the role of this variant in disease. Therefore, it has been classified as a Variant of Uncertain Significance.